The following is an entry in ClinVar:

NM_004006.3(DMD):c.9212C>G (p.Pro3071Arg)

Gene: DMD (dystrophin; minus strand). Cytogenetic location: Xp21.2.
Variant type: single nucleotide variant.
Coding change: c.9212C>G on transcript NM_004006.3 (MANE Select); coding-DNA position 9212, C replaced by G.
Protein change: p.Pro3071Arg; replaces proline 3071 with arginine.
Molecular consequence: missense variant.
Genome position (GRCh38, 1-based): chrX:31,323,610, G>C on the plus strand (C>G on the coding strand, the complement: DMD is on the minus strand). VCF-style: chrX-31323610-G-C. GRCh37 (hg19) VCF-style: chrX-31341727-G-C.
Other names: c.9188C>G, p.Pro3063Arg (NM_000109.4); c.9200C>G, p.Pro3067Arg (NM_004009.3); c.8843C>G, p.Pro2948Arg (NM_004010.3); c.5189C>G, p.Pro1730Arg (NM_004011.4); c.5180C>G, p.Pro1727Arg (NM_004012.4); c.1832C>G, p.Pro611Arg (NM_004013.3, NM_004020.4, NM_004021.3 and 2 more transcripts); c.1025C>G, p.Pro342Arg (NM_004014.3); short protein forms P611R, P1727R, P2948R, P342R, P1730R, P3067R, P3063R, P3071R.
Identifiers: ClinVar variation 1373138 (VCV001373138.8), dbSNP rs2148296853, ClinGen allele CA412651601.
Genomic context (GRCh38, chrX:31,323,610, plus strand): 5'-GTTAGTCACAATAAATGCTCTTTTAAAAATGTGATACTTCCAACTTACTTGATATAGTAG[G>C]GCACTTTGTTTGGCGAGATGGCTCTCTCCCAGGGACCCTGGACAGACGCTGAAAAGAAGG-3'
Protein context (NP_003997.2, residues 3061-3081): WERAISPNKV[Pro3071Arg]YYINHETQTT

ClinVar aggregate classification (germline): Uncertain significance (1 of 4 stars; one submission).

Conditions:
Duchenne muscular dystrophy (DMD). Also called: MUSCULAR DYSTROPHY, PSEUDOHYPERTROPHIC PROGRESSIVE, DUCHENNE TYPE; Duchenne Muscular Dystrophy (DMD). Identifiers: Orphanet 98896, MedGen C0013264, MONDO:0010679, OMIM 310200.

Submission:

Labcorp Genetics (formerly Invitae), Labcorp
Classification: Uncertain significance for Duchenne muscular dystrophy. Last evaluated: 2021-02-17. Review status: criteria provided, single submitter. Criteria: Invitae Variant Classification Sherloc (09022015). Collection method: clinical testing. Allele origin: germline.
Comment: This sequence change replaces proline with arginine at codon 3071 of the DMD protein (p.Pro3071Arg). The proline residue is highly conserved and there is a moderate physicochemical difference between proline and arginine. In summary, the available evidence is currently insufficient to determine the role of this variant in disease. Therefore, it has been classified as a Variant of Uncertain Significance. Algorithms developed to predict the effect of missense changes on protein structure and function (SIFT, PolyPhen-2, Align-GVGD) all suggest that this variant is likely to be disruptive, but these predictions have not been confirmed by published functional studies and their clinical significance is uncertain. This variant has not been reported in the literature in individuals with DMD-related conditions. This variant is not present in population databases (ExAC no frequency).